The following is an entry in ClinVar:

ClinVar aggregate classification (germline): Pathogenic (3 of 4 stars; one submission).

Conditions:
Breast-ovarian cancer, familial, susceptibility to, 2 (BROVCA2). Also called: BRCA2 Hereditary Breast and Ovarian Cancer. Identifiers: Orphanet 145, MedGen C2675520, MONDO:0012933, OMIM 612555. Disease mechanism: loss of function.

Submission:

Evidence-based Network for the Interpretation of Germline Mutant Alleles (ENIGMA)
Classification: Pathogenic for Breast-ovarian cancer, familial, susceptibility to, 2. Last evaluated: 2017-12-15. Review status: reviewed by expert panel. Criteria: ENIGMA BRCA1/2 Classification Criteria (2017-06-29). Collection method: curation. Allele origin: germline. Study: ENIGMA.
Comment: Variant allele predicted to encode a truncated non-functional protein.

NM_000059.4(BRCA2):c.5415dup (p.Glu1806Ter)

Gene: BRCA2 (BRCA2 DNA repair associated; plus strand). Cytogenetic location: 13q13.1.
Variant type: Duplication.
Coding change: c.5415dup on transcript NM_000059.4 (MANE Select); coding-DNA position 5415, one base duplicated (T; older notation c.5415dupT).
Protein change: p.Glu1806Ter; replaces glutamic acid 1806 with a stop codon.
Molecular consequence: nonsense.
Genome position (GRCh38, 1-based): chr13:32,339,770, T duplicated. VCF-style (leftmost placement, unchanged base first): chr13-32339769-A-AT. GRCh37 (hg19) VCF-style: chr13-32913906-A-AT.
Other names: c.5415dupT (NM_000059.3); short protein forms E1806*.
Identifiers: ClinVar variation 548337 (VCV000548337.1), dbSNP rs1555284212, ClinGen allele CA658823651.